The following is an entry in ClinVar:

ClinVar aggregate classification (germline): Pathogenic. Review status: criteria provided, multiple submitters, no conflicts (2 of 4 stars). 4 submissions from 4 submitters: Pathogenic (3). 1 of the submissions does not count toward it. Last evaluated 2025-09-02.

Conditions:
Cardiovascular phenotype. Identifiers: MedGen CN230736.
Catecholaminergic polymorphic ventricular tachycardia 5 (CARDAR). Also called: Ventricular tachycardia, catecholaminergic polymorphic, 5, with or without muscle weakness; CARDIAC ARRHYTHMIA SYNDROME, WITH OR WITHOUT SKELETAL MUSCLE WEAKNESS. Identifiers: Orphanet 3286, MedGen C3809536, MONDO:0014191, OMIM 615441.
Catecholaminergic polymorphic ventricular tachycardia 1. Also called: VENTRICULAR TACHYCARDIA, CATECHOLAMINERGIC POLYMORPHIC, 1, WITH OR WITHOUT ATRIAL DYSFUNCTION AND/OR DILATED CARDIOMYOPATHY; VENTRICULAR TACHYCARDIA, STRESS-INDUCED POLYMORPHIC 1; RYR2-Related Catecholaminergic Polymorphic Ventricular Tachycardia. Identifiers: Orphanet 3286, MedGen C1631597, MONDO:0011484, OMIM 604772.

Submissions (4):

Labcorp Genetics (formerly Invitae), Labcorp
Classification: Pathogenic for Catecholaminergic polymorphic ventricular tachycardia 1. Last evaluated: 2025-09-02. Review status: criteria provided, single submitter. Criteria: Invitae Variant Classification Sherloc (09022015). Collection method: clinical testing. Allele origin: germline.
Comment: This sequence change creates a premature translational stop signal (p.Lys147*) in the TRDN gene. It is expected to result in an absent or disrupted protein product. Loss-of-function variants in TRDN are known to be pathogenic (PMID: 22422768, 25922419, 26200674, 30649896). The frequency data for this variant in the population databases is considered unreliable, as metrics indicate poor data quality at this position in the gnomAD database. This premature translational stop signal has been observed in individual(s) with TRDN-related conditions (PMID: 25922419). This variant is also known as c.del 572_576 TAAGA (p.K147fs*0). ClinVar contains an entry for this variant (Variation ID: 449691). For these reasons, this variant has been classified as Pathogenic.

Ambry Genetics
Classification: Pathogenic for Cardiovascular phenotype. Last evaluated: 2023-09-23. Review status: criteria provided, single submitter. Criteria: Ambry Variant Classification Scheme 2023. Collection method: clinical testing. Allele origin: germline.
Comment: The c.438_442delTAAGA pathogenic mutation, located in coding exon 5 of the TRDN gene, results from a deletion of 5 nucleotides at nucleotide positions 438 to 442, causing a translational frameshift with a predicted alternate stop codon (p.K147*). This variant has been detected in unrelated homozygous probands with features of long QT syndrome, catecholaminergic polymorphic ventricular tachycardia and/or skeletal muscle weakness (Altmann HM et al. Circulation, 2015 Jun;131:2051-60; Trujillano D et al. Eur J Hum Genet, 2017 Feb;25:176-182; Clemens DJ et al. Circ Genom Precis Med, 2019 Feb;12:e002419). This variant is considered to be rare based on population cohorts in the Genome Aggregation Database (gnomAD). In addition to the clinical data presented in the literature, this alteration is expected to result in loss of function by premature protein truncation or nonsense-mediated mRNA decay. As such, this alteration is interpreted as a disease-causing mutation.

GeneDx
Classification: Pathogenic. Last evaluated: 2017-07-10. Review status: criteria provided, single submitter. Criteria: GeneDx Variant Classification (06012015). Collection method: clinical testing. Allele origin: germline. Affected: yes.
Comment: The c.438_442delTAAGA variant in the TRDN gene has been reported as a homozygous variant in three patients with LQTS (Altmann et al., 2015). This variant results in the replacement of a lysine residue with a premature stop codon at position 147 and is predicted to cause loss of normal protein function either by protein truncation or nonsense-mediated mRNA decay. Other loss of function variants in the TRDN gene have been reported in Human Gene Mutation Database in association with arrhythmia (Stenson et al., 2014). Furthermore, the c.438_442delTAAGA variant is not observed in large population cohorts (Lek et al., 2016; 1000 Genomes Consortium et al., 2015; Exome Variant Server).

OMIM
Classification: Pathogenic for CARDIAC ARRHYTHMIA SYNDROME WITH OR WITHOUT SKELETAL MUSCLE WEAKNESS. Last evaluated: 2021-09-16. Review status: no assertion criteria provided. Collection method: literature only. Allele origin: germline. Not counted in ClinVar's aggregate classification.

Literature cited by the submitters: PubMed 22422768 (cited by Labcorp Genetics (formerly Invitae), Labcorp); PubMed 25922419 (cited by Labcorp Genetics (formerly Invitae), Labcorp and Ambry Genetics); PubMed 26200674 (cited by Labcorp Genetics (formerly Invitae), Labcorp); PubMed 30649896 (cited by Labcorp Genetics (formerly Invitae), Labcorp and Ambry Genetics); PubMed 27848944 (cited by Ambry Genetics); Altmann, H. M., Tester, D. J., Will, M. L., Middha, S., Evans, J. M., Eckloff, B. W., Ackerman, M. J. Homozygous/compound heterozygous triadin mutations associated with autosomal-recessive long-QT syndrome and pediatric sudden cardiac arrest: elucidation of the triadin knockout syndrome. Circulation 131: 2051-2060, 2015. (cited by OMIM).

NM_006073.4(TRDN):c.438_442del (p.Asp146_Lys147insTer)

Gene: TRDN (triadin; minus strand). Cytogenetic location: 6q22.31.
Variant type: Deletion.
Coding change: c.438_442del on transcript NM_006073.4 (MANE Select); coding-DNA positions 438 to 442, 5 bases deleted (TAAGA; older notation c.438_442delTAAGA).
Protein change: p.Asp146_Lys147insTer.
Molecular consequence: frameshift variant.
Genome position (GRCh38, 1-based): chr6:123,530,548-123,530,552, TCTTA deleted on the plus strand (TAAGA on the coding strand, the reverse complement: TRDN is on the minus strand); deleting any 5 consecutive bases within chr6:123,530,548-123,530,556 gives the same sequence; the c. name uses the placement nearest the transcript's 3' end. VCF-style (leftmost placement, unchanged base first): chr6-123530547-GTCTTA-G. GRCh37 (hg19) VCF-style: chr6-123851692-GTCTTA-G.
Other names: c.438_442delTAAGA (NM_006073.2); c.438_442del, p.Asp146_Lys147insTer (NM_001251987.2, NM_001256020.2, NM_001256021.2 and 2 more transcripts).
Identifiers: ClinVar variation 449691 (VCV000449691.6), dbSNP rs752256846, ClinGen allele CA3984381.
Genomic context (GRCh38, chr6:123,530,547, plus strand): 5'-CATAAAATGAAATGTTTACCTTTAGTTTGTATTTTCCTTTCAGGTTTCTCTTGTTTTTCA[GTCTTA>G]TCTTTGTGTATTTCTAAGAAAAAATAGAATTTATAATTTTAAAACTCTGAAAATGTATAA-3'